The following is an entry in ClinVar:

ClinVar aggregate classification (germline): Conflicting classifications of pathogenicity. Review status: criteria provided, conflicting classifications (1 of 4 stars). 4 submissions from 4 submitters: Uncertain significance (3); Likely benign (1). Last evaluated 2024-01-05.

Conditions:
Mitochondrial complex IV deficiency, nuclear type 17. Also called: Mitochondrial complex 4 deficiency, nuclear type 17. Identifiers: MedGen C5436718, MONDO:0033652, OMIM 619061.

Allele frequency attached by ClinVar (database versions not stated): TOPMed 0.00006; gnomAD 0.00014 and 0.00021; 1000 Genomes Project 0.00020; gnomAD exomes 0.00037; 1000 Genomes Project 30x 0.00047; ExAC 0.00132.
gnomAD v4.1: 245 of 1,540,444 alleles (0.016%); highest among the groups gnomAD compares: South Asian, 0.19%; no homozygotes.

Submissions (4):

Revvity Omics, Revvity
Classification: Likely benign for Mitochondrial complex IV deficiency, nuclear type 17. Last evaluated: 2024-01-05. Review status: criteria provided, single submitter. Criteria: ACMG Guidelines, 2015. Collection method: clinical testing. Allele origin: germline.

Labcorp Genetics (formerly Invitae), Labcorp
Classification: Uncertain significance. Last evaluated: 2022-08-23. Review status: criteria provided, single submitter. Criteria: Invitae Variant Classification Sherloc (09022015). Collection method: clinical testing. Allele origin: germline.
Comment: This sequence change replaces glutamic acid, which is acidic and polar, with lysine, which is basic and polar, at codon 42 of the APOPT1 protein (p.Glu42Lys). This variant is present in population databases (rs535382401, gnomAD 0.2%). This variant has not been reported in the literature in individuals affected with APOPT1-related conditions. ClinVar contains an entry for this variant (Variation ID: 1681856). Algorithms developed to predict the effect of missense changes on protein structure and function (SIFT, PolyPhen-2, Align-GVGD) all suggest that this variant is likely to be tolerated. In summary, the available evidence is currently insufficient to determine the role of this variant in disease. Therefore, it has been classified as a Variant of Uncertain Significance.

Fulgent Genetics
Classification: Uncertain significance for Mitochondrial complex IV deficiency, nuclear type 17. Last evaluated: 2022-02-12. Review status: criteria provided, single submitter. Criteria: ACMG Guidelines, 2015. Collection method: clinical testing. Allele origin: unknown.

Breakthrough Genomics
Classification: Uncertain significance. Review status: criteria provided, single submitter. Criteria: ACMG Guidelines, 2015. Collection method: not provided. Allele origin: germline. Inheritance: Autosomal recessive inheritance. Affected: yes.

NM_001370595.2(COA8):c.85G>A (p.Glu29Lys)

Gene: COA8 (cytochrome c oxidase assembly factor 8; plus strand). Cytogenetic location: 14q32.33.
Variant type: single nucleotide variant.
Coding change: c.85G>A on transcript NM_001370595.2 (MANE Select); coding-DNA position 85, G replaced by A.
Protein change: p.Glu29Lys; replaces glutamic acid 29 with lysine.
Molecular consequence: missense variant. On other transcripts: non-coding transcript variant (2).
Genome position (GRCh38, 1-based): chr14:103,563,086, G>A. VCF-style: chr14-103563086-G-A. GRCh37 (hg19) VCF-style: chr14-104029423-G-A.
Other names: NM_001302652.2:c.85G>A; c.85G>A (NM_001370595.1); c.85G>A, p.Glu29Lys (NM_001302653.2, NM_001302654.2); short protein forms E29K.
Identifiers: ClinVar variation 1681856 (VCV001681856.9), dbSNP rs535382401, ClinGen allele CA7365410.
Genomic context (GRCh38, chr14:103,563,086, plus strand): 5'-AAGACCTTTCTCCCCCCTCTCTGCCGCGCCTTCGCCTGCCGCGGCTGTCAACTCGCTCCG[G>A]AGCGCGGCGCCGAGCGCAGGGATACGGCGCCCAGCGGGGTAAGCAGGGGCCTGGGGACAT-3'
Protein context (NP_001357524.1, residues 19-39): FACRGCQLAP[Glu29Lys]RGAERRDTAP